The following is an entry in ClinVar:

ClinVar aggregate classification (germline): Uncertain significance (1 of 4 stars; one submission).

Allele frequency attached by ClinVar (database versions not stated): gnomAD exomes below 0.00001; TOPMed below 0.00001.
gnomAD v4.1: 2 of 1,613,764 alleles (0.00012%); highest among the groups gnomAD compares: Non-Finnish European, 0.00017%; no homozygotes.

Submission:

Women's Health and Genetics/Laboratory Corporation of America, LabCorp
Classification: Uncertain significance. Last evaluated: 2023-05-09. Review status: criteria provided, single submitter. Criteria: LabCorp Variant Classification Summary - May 2015. Collection method: clinical testing. Allele origin: germline.
Comment: Variant summary: OTOF c.*183G>T is located in the untranslated mRNA region downstream of the termination codon. Three of three in-silico tools predict a damaging effect of the variant on protein function. The variant allele was found at a frequency of 8e-06 in 250658 control chromosomes (gnomAD). The available data on variant occurrences in the general population are insufficient to allow any conclusion about variant significance. c.*183G>T (also known as c.5979G>T) has been reported in the literature in individuals affected with auditory neuropathy spectrum disorder (Example: Thorpe_2021). These data do not allow any conclusion about variant significance. To our knowledge, no experimental evidence demonstrating an impact on protein function has been reported. The following publication has been ascertained in the context of this evaluation (PMID: 34424407). No clinical diagnostic laboratories have submitted clinical-significance assessments for this variant to ClinVar after 2014. Based on the evidence outlined above, the variant was classified as VUS-possibly pathogenic.

Literature cited by the submitters: PubMed 34424407.

NM_194323.3(OTOF):c.3678G>T (p.Lys1226Asn)

Gene: OTOF (otoferlin; minus strand). Cytogenetic location: 2p23.3.
Variant type: single nucleotide variant.
Coding change: c.3678G>T on transcript NM_194323.3 (MANE Plus Clinical); coding-DNA position 3678, G replaced by T.
Protein change: p.Lys1226Asn; replaces lysine 1226 with asparagine.
Molecular consequence: missense variant. On other transcripts: 3 prime UTR variant (3).
Genome position (GRCh38, 1-based): chr2:26,458,055, C>A on the plus strand (G>T on the coding strand, the complement: OTOF is on the minus strand). VCF-style: chr2-26458055-C-A. GRCh37 (hg19) VCF-style: chr2-26680923-C-A.
Other names: c.5979G>T, p.Lys1993Asn (NM_001287489.2); c.*183G>T (NM_004802.4, NM_194248.3, NM_194322.3); short protein forms K1226N, K1993N.
Identifiers: ClinVar variation 2506117 (VCV002506117.1), dbSNP rs765372800, ClinGen allele CA346124871.